The following is an entry in ClinVar:

NM_006904.7(PRKDC):c.10411A>C (p.Ile3471Leu)

Gene: PRKDC (protein kinase, DNA-activated, catalytic subunit; minus strand). Cytogenetic location: 8q11.21.
Variant type: single nucleotide variant.
Coding change: c.10411A>C on transcript NM_006904.7 (MANE Select); coding-DNA position 10411, A replaced by C.
Protein change: p.Ile3471Leu; replaces isoleucine 3471 with leucine.
Molecular consequence: missense variant.
Genome position (GRCh38, 1-based): chr8:47,798,284, T>G on the plus strand (A>C on the coding strand, the complement: PRKDC is on the minus strand). VCF-style: chr8-47798284-T-G. GRCh37 (hg19) VCF-style: chr8-48710845-T-G.
Other names: c.10411A>C, p.Ile3471Leu (NM_001081640.2); short protein forms I3471L.
Identifiers: ClinVar variation 1714488 (VCV001714488.5), dbSNP rs1342565217, ClinGen allele CA371134863.

ClinVar aggregate classification (germline): Uncertain significance (1 of 4 stars; one submission).

Conditions:
Severe combined immunodeficiency due to DNA-PKcs deficiency. Also called: IMMUNODEFICIENCY 26 WITH NEUROLOGIC ABNORMALITIES; Immunodeficiency 26 with or without neurologic abnormalities. Identifiers: Orphanet 317425, MedGen C4014833, MONDO:0014423, OMIM 615966.

Submission:

Labcorp Genetics (formerly Invitae), Labcorp
Classification: Uncertain significance for Severe combined immunodeficiency due to DNA-PKcs deficiency. Last evaluated: 2022-07-30. Review status: criteria provided, single submitter. Criteria: Invitae Variant Classification Sherloc (09022015). Collection method: clinical testing. Allele origin: germline.
Comment: This sequence change replaces isoleucine, which is neutral and non-polar, with leucine, which is neutral and non-polar, at codon 3471 of the PRKDC protein (p.Ile3471Leu). This variant is not present in population databases (gnomAD no frequency). This variant has not been reported in the literature in individuals affected with PRKDC-related conditions. Experimental studies and prediction algorithms are not available or were not evaluated, and the functional significance of this variant is currently unknown. In summary, the available evidence is currently insufficient to determine the role of this variant in disease. Therefore, it has been classified as a Variant of Uncertain Significance.